The following is an entry in ClinVar:

ClinVar aggregate classification (germline): Benign/Likely benign. Review status: criteria provided, multiple submitters, no conflicts (2 of 4 stars). 2 submissions from 2 submitters: Benign (1); Likely benign (1). Last evaluated 2025-12-17.

Conditions:
Primary ciliary dyskinesia. Also called: Ciliary dyskinesia. Identifiers: Orphanet 244, MedGen C0008780, MONDO:0016575, HP:0012265.

Allele frequency attached by ClinVar (database versions not stated): gnomAD 0.00003; TOPMed 0.00006; gnomAD exomes 0.00038; 1000 Genomes Project 30x 0.00172; 1000 Genomes Project 0.00200.
gnomAD v4.1: 574 of 1,572,024 alleles (0.037%); highest among the groups gnomAD compares: South Asian, 0.54%; 15 homozygotes.

Submissions (2):

Labcorp Genetics (formerly Invitae), Labcorp
Classification: Benign for Primary ciliary dyskinesia. Last evaluated: 2025-12-17. Review status: criteria provided, single submitter. Criteria: Invitae Variant Classification Sherloc (09022015). Collection method: clinical testing. Allele origin: germline.

CeGaT Center for Human Genetics Tuebingen
Classification: Likely benign. Last evaluated: 2022-12-01. Review status: criteria provided, single submitter. Criteria: CeGaT Center For Human Genetics Tuebingen Variant Classification Criteria Version 2. Collection method: clinical testing. Allele origin: germline. Affected: yes. Observed: 1 variant allele.
Comment: DNAH8: BP4, BS2

NM_001206927.2(DNAH8):c.12526-3C>T

Gene: DNAH8 (dynein axonemal heavy chain 8; plus strand). Cytogenetic location: 6p21.2.
Variant type: single nucleotide variant.
Coding change: c.12526-3C>T on transcript NM_001206927.2 (MANE Select); 3 bases into the intron before coding-DNA position 12526, C replaced by T.
Molecular consequence: intron variant.
Genome position (GRCh38, 1-based): chr6:38,973,658, C>T. VCF-style: chr6-38973658-C-T. GRCh37 (hg19) VCF-style: chr6-38941434-C-T.
Other names: c.11875-3C>T (NM_001371.4).
Identifiers: ClinVar variation 454543 (VCV000454543.36), dbSNP rs374461538, ClinGen allele CA3791396.